The following is an entry in ClinVar:

NM_014141.6(CNTNAP2):c.2566G>T (p.Val856Leu)

Gene: CNTNAP2 (contactin associated protein 2; plus strand). Cytogenetic location: 7q35.
Variant type: single nucleotide variant.
Coding change: c.2566G>T on transcript NM_014141.6 (MANE Select); coding-DNA position 2566, G replaced by T.
Protein change: p.Val856Leu; replaces valine 856 with leucine.
Molecular consequence: missense variant.
Genome position (GRCh38, 1-based): chr7:148,147,502, G>T. VCF-style: chr7-148147502-G-T. GRCh37 (hg19) VCF-style: chr7-147844594-G-T.
Other names: short protein forms V856L.
Identifiers: ClinVar variation 3373557 (VCV003373557.1).

ClinVar aggregate classification (germline): Uncertain significance (1 of 4 stars; one submission).

Submission:

GeneDx
Classification: Uncertain significance. Last evaluated: 2024-03-04. Review status: criteria provided, single submitter. Criteria: GeneDx Variant Classification Process June 2021. Collection method: clinical testing. Allele origin: germline. Affected: yes.
Comment: Not observed at significant frequency in large population cohorts (gnomAD); In silico analysis supports that this missense variant does not alter protein structure/function; Has not been previously published as pathogenic or benign to our knowledge